The following is an entry in ClinVar:

ClinVar aggregate classification (germline): Uncertain significance (1 of 4 stars; one submission).

Conditions:
Lethal congenital glycogen storage disease of heart. Also called: PHOSPHORYLASE KINASE DEFICIENCY OF HEART; GLYCOGEN STORAGE DISEASE OF HEART. Identifiers: Orphanet 439854, MedGen C1849813, MONDO:0009867, OMIM 261740.

Submission:

Labcorp Genetics (formerly Invitae), Labcorp
Classification: Uncertain significance for Lethal congenital glycogen storage disease of heart. Last evaluated: 2023-07-28. Review status: criteria provided, single submitter. Criteria: Invitae Variant Classification Sherloc (09022015). Collection method: clinical testing. Allele origin: germline.
Comment: This variant is a gross deletion of the genomic region encompassing exon(s) 4 of the PRKAG2 gene. This deletion is out-of-frame, and is expected to create a premature translational stop signal and result in an absent or disrupted protein product. However, the current clinical and genetic evidence is not sufficient to establish whether loss-of-function variants in PRKAG2 cause disease. This variant has not been reported in the literature in individuals affected with PRKAG2-related conditions. In summary, the available evidence is currently insufficient to determine the role of this variant in disease. Therefore, it has been classified as a Variant of Uncertain Significance.

NC_000007.13:g.(?_151372486)_(151372743_?)del

Gene: PRKAG2 (protein kinase AMP-activated non-catalytic subunit gamma 2; minus strand). Cytogenetic location: 7q36.1.
Variant type: Deletion.
Identifiers: ClinVar variation 1412028 (VCV001412028.6).